The following is an entry in ClinVar:

ClinVar aggregate classification (germline): Uncertain significance (1 of 4 stars; one submission).

Conditions:
Multiple gastrointestinal atresias. Also called: Multiple intestinal atresia; FAMILIAL INTESTINAL POLYATRESIA SYNDROME. Identifiers: Orphanet 2300, MedGen C0220744, MONDO:0009465.

Allele frequency attached by ClinVar (database versions not stated): TOPMed 0.00001.
gnomAD v4.1: 14 of 1,609,920 alleles (0.00087%); highest among the groups gnomAD compares: South Asian, 0.0044%; no homozygotes.

Submission:

Labcorp Genetics (formerly Invitae), Labcorp
Classification: Uncertain significance for Multiple gastrointestinal atresias. Last evaluated: 2022-01-17. Review status: criteria provided, single submitter. Criteria: Invitae Variant Classification Sherloc (09022015). Collection method: clinical testing. Allele origin: germline.
Comment: This sequence change replaces arginine, which is basic and polar, with glutamine, which is neutral and polar, at codon 676 of the TTC7A protein (p.Arg676Gln). This variant is present in population databases (rs765995326, gnomAD 0.002%). This variant has not been reported in the literature in individuals affected with TTC7A-related conditions. Algorithms developed to predict the effect of missense changes on protein structure and function output the following: SIFT: "Tolerated"; PolyPhen-2: "Benign"; Align-GVGD: "Class C0". The glutamine amino acid residue is found in multiple mammalian species, which suggests that this missense change does not adversely affect protein function. Algorithms developed to predict the effect of sequence changes on RNA splicing suggest that this variant may create or strengthen a splice site. In summary, the available evidence is currently insufficient to determine the role of this variant in disease. Therefore, it has been classified as a Variant of Uncertain Significance.

NM_020458.4(TTC7A):c.2027G>A (p.Arg676Gln)

Gene: TTC7A (tetratricopeptide repeat domain 7A; plus strand). Cytogenetic location: 2p21.
Variant type: single nucleotide variant.
Coding change: c.2027G>A on transcript NM_020458.4 (MANE Select); coding-DNA position 2027, G replaced by A.
Protein change: p.Arg676Gln; replaces arginine 676 with glutamine.
Molecular consequence: missense variant.
Genome position (GRCh38, 1-based): chr2:47,051,755, G>A. VCF-style: chr2-47051755-G-A. GRCh37 (hg19) VCF-style: chr2-47278894-G-A.
Other names: c.2099G>A, p.Arg700Gln (NM_001288951.2); c.1925G>A, p.Arg642Gln (NM_001288953.2); c.965G>A, p.Arg322Gln (NM_001288955.2); short protein forms R322Q, R642Q, R700Q, R676Q.
Identifiers: ClinVar variation 1898059 (VCV001898059.2), dbSNP rs765995326, ClinGen allele CA1647985.